The following is an entry in ClinVar:

NM_022089.4(ATP13A2):c.3257C>T (p.Ala1086Val)

Gene: ATP13A2 (ATPase cation transporting 13A2; minus strand). Cytogenetic location: 1p36.13.
Variant type: single nucleotide variant.
Coding change: c.3257C>T on transcript NM_022089.4 (MANE Select); coding-DNA position 3257, C replaced by T.
Protein change: p.Ala1086Val; replaces alanine 1086 with valine.
Molecular consequence: missense variant. On other transcripts: intron variant (1).
Genome position (GRCh38, 1-based): chr1:16,986,611, G>A on the plus strand (C>T on the coding strand, the complement: ATP13A2 is on the minus strand). VCF-style: chr1-16986611-G-A. GRCh37 (hg19) VCF-style: chr1-17313106-G-A.
Other names: p.Ala1086Val; c.3242C>T, p.Ala1081Val (NM_001141973.3); c.3103+194C>T (NM_001141974.3); short protein forms A1086V, A1081V.
Identifiers: ClinVar variation 589979 (VCV000589979.18), dbSNP rs370677966, ClinGen allele CA636536.

ClinVar aggregate classification (germline): Conflicting classifications of pathogenicity. Review status: criteria provided, conflicting classifications (1 of 4 stars). 6 submissions from 6 submitters: Uncertain significance (4); Likely benign (2). Last evaluated 2026-06-25.

Conditions:
Autosomal recessive spastic paraplegia type 78. Identifiers: Orphanet 513436, MedGen C5567893, MONDO:0014975, OMIM 617225.
Kufor-Rakeb syndrome (KRS). Also called: PARKINSON DISEASE 9, AUTOSOMAL RECESSIVE, JUVENILE-ONSET. Identifiers: Orphanet 306674, Orphanet 314632, MedGen C1847640, MONDO:0011706, OMIM 606693.
Inborn genetic diseases. Identifiers: MedGen C0950123, MeSH D030342.

Allele frequency attached by ClinVar (database versions not stated): gnomAD 0.00006; ESP Exome Variant Server 0.00008; TOPMed 0.00012; 1000 Genomes Project 30x 0.00016; 1000 Genomes Project 0.00020.
gnomAD v4.1: 98 of 1,609,796 alleles (0.0061%); highest among the groups gnomAD compares: Middle Eastern, 0.033%; no homozygotes.

Submissions (6):

GeneDx
Classification: Uncertain significance. Last evaluated: 2026-06-25. Review status: criteria provided, single submitter. Criteria: GeneDx Variant Classification Process June 2021. Collection method: clinical testing. Allele origin: germline.
Comment: In silico analysis suggests that this missense variant does not alter protein structure/function; Has not been previously published as pathogenic or benign to our knowledge

Ambry Genetics
Classification: Likely benign for Inborn genetic diseases. Last evaluated: 2025-09-03. Review status: criteria provided, single submitter. Criteria: Ambry Variant Classification Scheme 2023. Collection method: clinical testing. Allele origin: germline.

Mayo Clinic Laboratories, Mayo Clinic
Classification: Uncertain significance. Last evaluated: 2025-08-15. Review status: criteria provided, single submitter. Criteria: ACMG Guidelines, 2015. Collection method: clinical testing. Allele origin: germline. Observed: 1 variant allele.
Comment: BP4_moderate

Labcorp Genetics (formerly Invitae), Labcorp
Classification: Uncertain significance for Kufor-Rakeb syndrome; Autosomal recessive spastic paraplegia type 78. Last evaluated: 2025-01-13. Review status: criteria provided, single submitter. Criteria: Invitae Variant Classification Sherloc (09022015). Collection method: clinical testing. Allele origin: germline.
Comment: This sequence change replaces alanine, which is neutral and non-polar, with valine, which is neutral and non-polar, at codon 1086 of the ATP13A2 protein (p.Ala1086Val). This variant is present in population databases (rs370677966, gnomAD 0.02%). This variant has not been reported in the literature in individuals affected with ATP13A2-related conditions. ClinVar contains an entry for this variant (Variation ID: 589979). Invitae Evidence Modeling of protein sequence and biophysical properties (such as structural, functional, and spatial information, amino acid conservation, physicochemical variation, residue mobility, and thermodynamic stability) indicates that this missense variant is not expected to disrupt ATP13A2 protein function with a negative predictive value of 80%. In summary, the available evidence is currently insufficient to determine the role of this variant in disease. Therefore, it has been classified as a Variant of Uncertain Significance.

Blueprint Genetics
Classification: Likely benign. Last evaluated: 2024-11-22. Review status: criteria provided, single submitter. Criteria: ACMG Guidelines, 2015. Collection method: clinical testing. Allele origin: germline.

Illumina Laboratory Services, Illumina
Classification: Uncertain significance for Kufor-Rakeb syndrome. Last evaluated: 2018-01-12. Review status: criteria provided, single submitter. Criteria: ICSL Variant Classification Criteria 13 December 2019. Collection method: clinical testing. Allele origin: germline.